The following is an entry in ClinVar:

ClinVar aggregate classification (germline): Pathogenic/Likely pathogenic. Review status: criteria provided, multiple submitters, no conflicts (2 of 4 stars). 9 submissions from 9 submitters: Pathogenic (4); Likely pathogenic (5). Last evaluated 2026-06-17.

Conditions:
Hereditary cancer-predisposing syndrome. Also called: Neoplastic Syndromes, Hereditary; Tumor predisposition; Hereditary Cancer Syndrome; Hereditary neoplastic syndrome. Identifiers: Orphanet 140162, MedGen C0027672, MeSH D009386, MONDO:0015356.
Familial cancer of breast. Also called: hereditary breast carcinoma; BREAST CANCER, FAMILIAL; Hereditary breast cancer. Identifiers: Orphanet 227535, MedGen C0346153, MONDO:0016419, OMIM 114480. Disease mechanism: loss of function.
Ataxia-telangiectasia syndrome (AT). Also called: LOUIS-BAR SYNDROME; Ataxia-telangiectasia, complementation group E; ATAXIA-TELANGIECTASIA, COMPLEMENTATION GROUP A; ATAXIA-TELANGIECTASIA, FRESNO VARIANT; Ataxia-telangiectasia; Ataxia telangiectasia (A-T). Identifiers: Orphanet 100, MedGen C0004135, MONDO:0008840, OMIM 208900.

Submissions (9):

Praxis Für Humangenetik, Biosciencia MVZ Labor Saar
Classification: Pathogenic for Hereditary cancer-predisposing syndrome. Last evaluated: 2026-06-17. Review status: criteria provided, single submitter. Criteria: ACMG Guidelines, 2015. Collection method: clinical testing. Allele origin: germline. Affected: yes.
Comment: PVS1, PM2, PP5

Labcorp Genetics (formerly Invitae), Labcorp
Classification: Pathogenic for Ataxia-telangiectasia syndrome. Last evaluated: 2025-11-23. Review status: criteria provided, single submitter. Criteria: Invitae Variant Classification Sherloc (09022015). Collection method: clinical testing. Allele origin: germline.
Comment: This variant results in the deletion of part of exon 20 (c.2922-50_2940del) of the ATM gene. RNA analysis indicates that this variant induces altered splicing and may result in an absent or altered protein product. This variant is not present in population databases (gnomAD no frequency). This variant has not been reported in the literature in individuals affected with ATM-related conditions. ClinVar contains an entry for this variant (Variation ID: 407642). Studies have shown that this variant results in activation of a cryptic splice site, and produces a non-functional protein and/or introduces a premature termination codon (internal data). This variant disrupts a region of the ATM protein in which other variant(s) (p.Cys977Tyr) have been determined to be pathogenic (PMID: 34445196; internal data). This suggests that this is a clinically significant region of the protein, and that variants that disrupt it are likely to be disease-causing. For these reasons, this variant has been classified as Pathogenic.

Mayo Clinic Laboratories, Mayo Clinic
Classification: Pathogenic. Last evaluated: 2023-11-22. Review status: criteria provided, single submitter. Criteria: ACMG Guidelines, 2015. Collection method: clinical testing. Allele origin: germline. Observed: 1 variant allele.
Comment: PM2, PM3_strong, PVS1_strong

Ambry Genetics
Classification: Pathogenic for Hereditary cancer-predisposing syndrome. Last evaluated: 2023-10-25. Review status: criteria provided, single submitter. Criteria: Ambry Variant Classification Scheme 2023. Collection method: clinical testing. Allele origin: germline.
Comment: The c.2922-50_2940del69 intronic pathogenic mutation results from a deletion of 69 nucleotides beginning 50 nucleotides upstream from coding exon 19 and spanning 19 nucleotides into coding exon 19 of the ATM gene. The c.2922-50_2940del69 mutation leads to the loss of the native splice acceptor site and the activation of a cryptic exonic splice site causing exon skipping (Bartsch O et al. Eur J Med Genet. 2012 Jan;55(1):49-55, Ambry internal data). In addition to the clinical data presented in the literature, alterations that disrupt the canonical splice site are expected to cause aberrant splicing, resulting in an abnormal protein or a transcript that is subject to nonsense-mediated mRNA decay. As such, this alteration is classified as a disease-causing mutation.

GeneDx
Classification: Likely pathogenic. Last evaluated: 2023-10-16. Review status: criteria provided, single submitter. Criteria: GeneDx Variant Classification Process June 2021. Collection method: clinical testing. Allele origin: germline. Affected: yes.
Comment: Intronic variant demonstrated activate a cryptic splice acceptor site, leading to the loss of the first 71 nucleotides of exon 20, also denoted exon 22 by alternate numbering, predicted to result in a frameshift and truncated protein (Bartsch et al., 2012); Observed in trans with an ATM frameshift variant in a child with atypical ataxia-telangiectasia (Bartsch et al., 2012); Not observed at significant frequency in large population cohorts (gnomAD); This variant is associated with the following publications: (PMID: 21893220)

Baylor Genetics
Classification: Likely pathogenic for Familial cancer of breast. Last evaluated: 2023-10-09. Review status: criteria provided, single submitter. Criteria: ACMG Guidelines, 2015. Collection method: clinical testing. Allele origin: unknown.

Athena Diagnostics
Classification: Likely pathogenic. Last evaluated: 2022-05-10. Review status: criteria provided, single submitter. Criteria: Athena Diagnostics Criteria. Collection method: clinical testing. Allele origin: unknown.
Comment: This variant is expected to severely impact normal RNA splicing, and consequently, protein structure and/or function. This variant has not been reported in large, multi-ethnic general populations.

Institute of Medical Genetics and Applied Genomics, University Hospital Tübingen
Classification: Likely pathogenic. Last evaluated: 2021-06-17. Review status: criteria provided, single submitter. Criteria: ACMG Guidelines, 2015. Collection method: clinical testing. Allele origin: germline. Inheritance: Autosomal recessive inheritance. Affected: yes.

Color Diagnostics, LLC DBA Color Health
Classification: Likely pathogenic for Hereditary cancer-predisposing syndrome. Last evaluated: 2019-10-14. Review status: criteria provided, single submitter. Criteria: ACMG Guidelines, 2015. Collection method: clinical testing. Allele origin: germline.
Comment: This variant causes a 69-nucleotide deletion encompassing the last 50 nucleotides of intron 19 and the first 19 nucleotides of exon 20 of the ATM gene. Splice site prediction tools predict that this variant may have a significant impact on RNA splicing. To our knowledge, functional studies have not been performed for this variant. This variant has not been reported in individuals affected with hereditary cancer in the literature. This variant has not been identified in the general population by the Genome Aggregation Database (gnomAD). Loss of ATM function is a known mechanism of disease. Based on the available evidence, this variant is classified as Likely Pathogenic.

Literature cited by the submitters: PubMed 34445196 (cited by Labcorp Genetics (formerly Invitae), Labcorp); PubMed 21893220 (cited by Mayo Clinic Laboratories, Mayo Clinic and Ambry Genetics).

NM_000051.4(ATM):c.2922-50_2940del

Gene: ATM (ATM serine/threonine kinase; plus strand). Cytogenetic location: 11q22.3.
Variant type: Deletion.
Coding change: c.2922-50_2940del on transcript NM_000051.4 (MANE Select); 50 bases into the intron before coding-DNA position 2922 through coding-DNA position 2940, 69 bases deleted.
Molecular consequence: splice acceptor variant.
Genome position (GRCh38, 1-based): chr11:108,271,201-108,271,269, 69 bases deleted. GRCh37 (hg19): chr11:108,141,928-108,141,996.
Other names: p.Asn975Valfs*11; c.2922-50_2940delGTGTTCTGTTAAGCTTATAAAGTTGAACTTTTTTTTTTTTTTTACCACAGCAATGTGTGTTCTTTGTAT (NM_000051.3); c.2922-50_2940del (NM_001351834.2); c.2922-50_2940del69 (NM_000051.3).
Identifiers: ClinVar variation 407642 (VCV000407642.23), dbSNP rs1555084832, ClinGen allele CA16613114.